The following is an entry in ClinVar:

ClinVar aggregate classification (germline): Uncertain significance. Review status: criteria provided, multiple submitters, no conflicts (2 of 4 stars). 2 submissions from 2 submitters: Uncertain significance (2). Last evaluated 2020-02-02.

Submissions (2):

Labcorp Genetics (formerly Invitae), Labcorp
Classification: Uncertain significance. Last evaluated: 2020-02-02. Review status: criteria provided, single submitter. Criteria: Invitae Variant Classification Sherloc (09022015). Collection method: clinical testing. Allele origin: germline.
Comment: In summary, the available evidence is currently insufficient to determine the role of this variant in disease. Therefore, it has been classified as a Variant of Uncertain Significance. Algorithms developed to predict the effect of missense changes on protein structure and function are either unavailable or do not agree on the potential impact of this missense change (SIFT: "Tolerated"; PolyPhen-2: "Possibly Damaging"; Align-GVGD: "Class C0"). This variant has not been reported in the literature in individuals with RLBP1-related conditions. This variant is not present in population databases (ExAC no frequency). This sequence change replaces glycine with serine at codon 298 of the RLBP1 protein (p.Gly298Ser). The glycine residue is highly conserved and there is a small physicochemical difference between glycine and serine.

Blueprint Genetics
Classification: Uncertain significance. Last evaluated: 2019-05-08. Review status: criteria provided, single submitter. Criteria: ACMG Guidelines, 2015. Collection method: clinical testing. Allele origin: germline.

NM_000326.5(RLBP1):c.892G>A (p.Gly298Ser)

Gene: RLBP1 (retinaldehyde binding protein 1; minus strand). Cytogenetic location: 15q26.1.
Variant type: single nucleotide variant.
Coding change: c.892G>A on transcript NM_000326.5 (MANE Select); coding-DNA position 892, G replaced by A.
Protein change: p.Gly298Ser; replaces glycine 298 with serine.
Molecular consequence: missense variant.
Genome position (GRCh38, 1-based): chr15:89,210,347, C>T on the plus strand (G>A on the coding strand, the complement: RLBP1 is on the minus strand). VCF-style: chr15-89210347-C-T. GRCh37 (hg19) VCF-style: chr15-89753578-C-T.
Other names: short protein forms G298S.
Identifiers: ClinVar variation 1055313 (VCV001055313.10), dbSNP rs2051526502, ClinGen allele CA393728469.
Genomic context (GRCh38, chr15:89,210,347, plus strand): 5'-AGAAGGCTGTGTTCTCAGCTTGGGCCTGGGGGCCAAAGAGCTGCTCAGCAACGGCCTTGC[C>T]ATCATACTTGGGCAGCGTGCCCCCGAAGTCAGAGGGCAGGATGTTCTCATCGATCTCCTG-3'
Protein context (NP_000317.1, residues 288-308): DFGGTLPKYD[Gly298Ser]KAVAEQLFGP